The following is an entry in ClinVar:

NM_000152.5(GAA):c.1996G>T (p.Ala666Ser)

Gene: GAA (alpha glucosidase; plus strand). Cytogenetic location: 17q25.3.
Variant type: single nucleotide variant.
Coding change: c.1996G>T on transcript NM_000152.5 (MANE Select); coding-DNA position 1996, G replaced by T.
Protein change: p.Ala666Ser; replaces alanine 666 with serine.
Molecular consequence: missense variant.
Genome position (GRCh38, 1-based): chr17:80,112,983, G>T. VCF-style: chr17-80112983-G-T. GRCh37 (hg19) VCF-style: chr17-78086782-G-T.
Other names: c.1996G>T (NM_000152.4, LRG_673t1); c.1996G>T, p.Ala666Ser (NM_001079803.3, NM_001079804.3); short protein forms A666S.
Identifiers: ClinVar variation 526544 (VCV000526544.7), dbSNP rs916566117, ClinGen allele CA294896938.
Genomic context (GRCh38, chr17:80,112,983, plus strand): 5'-GTCTGCGGCTTCCTGGGCAACACCTCAGAGGAGCTGTGTGTGCGCTGGACCCAGCTGGGG[G>T]CCTTCTACCCCTTCATGCGGAACCACAACAGCCTGCTCAGTCTGGTAGGGTGGGGGTGGC-3'
Protein context (NP_000143.2, residues 656-676): ELCVRWTQLG[Ala666Ser]FYPFMRNHNS

ClinVar aggregate classification (germline): Uncertain significance. Review status: criteria provided, single submitter (1 of 4 stars). 2 submissions from 2 submitters: Uncertain significance (1). 1 of the submissions does not count toward it. Last evaluated 2021-09-01.

Conditions:
Glycogen storage disease, type II (IOPD). Also called: CARDIOMEGALIA GLYCOGENICA DIFFUSA; GLYCOGENOSIS, GENERALIZED, CARDIAC FORM; GSD II; POMPE DISEASE, INFANTILE-ONSET; GLYCOGEN STORAGE DISEASE II, INFANTILE-ONSET; ACID ALPHA-GLUCOSIDASE DEFICIENCY, INFANTILE-ONSET. Identifiers: Orphanet 365, MedGen C0017921, MONDO:0009290, OMIM 232300.

Allele frequency attached by ClinVar (database versions not stated): TOPMed below 0.00001; gnomAD 0.00001.
gnomAD v4.1: 6 of 1,610,812 alleles (0.00037%); highest among the groups gnomAD compares: East Asian, 0.0022%; no homozygotes.

Submissions (2):

Labcorp Genetics (formerly Invitae), Labcorp
Classification: Uncertain significance for Glycogen storage disease, type II. Last evaluated: 2021-09-01. Review status: criteria provided, single submitter. Criteria: Invitae Variant Classification Sherloc (09022015). Collection method: clinical testing. Allele origin: germline.
Comment: This sequence change replaces alanine with serine at codon 666 of the GAA protein (p.Ala666Ser). The alanine residue is highly conserved and there is a moderate physicochemical difference between alanine and serine. This variant is not present in population databases (ExAC no frequency). This variant has not been reported in the literature in individuals affected with GAA-related conditions. Algorithms developed to predict the effect of missense changes on protein structure and function are either unavailable or do not agree on the potential impact of this missense change (SIFT: "Tolerated"; PolyPhen-2: "Probably Damaging"; Align-GVGD: "Class C15"). In summary, the available evidence is currently insufficient to determine the role of this variant in disease. Therefore, it has been classified as a Variant of Uncertain Significance.

Natera, Inc.
Classification: Uncertain significance for Glycogen storage disease type II. Last evaluated: 2025-05-21. Review status: no assertion criteria provided. Collection method: clinical testing. Allele origin: germline. Not counted in ClinVar's aggregate classification.